The following is an entry in ClinVar:

NM_006269.2(RP1):c.5216T>C (p.Val1739Ala)

Genes: RP1 (RP1 axonemal microtubule associated; plus strand), LOC126860392 (CDK7 strongly-dependent group 2 enhancer GRCh37_chr8:55541319-55542518; plus strand). Cytogenetic location: 8q12.1.
Variant type: single nucleotide variant.
Coding change: c.5216T>C on transcript NM_006269.2 (MANE Select); coding-DNA position 5216, T replaced by C.
Protein change: p.Val1739Ala; replaces valine 1739 with alanine.
Molecular consequence: missense variant. On other transcripts: intron variant (1).
Genome position (GRCh38, 1-based): chr8:54,629,098, T>C. VCF-style: chr8-54629098-T-C. GRCh37 (hg19) VCF-style: chr8-55541658-T-C.
Other names: c.787+6810T>C (NM_001375654.1); short protein forms V1739A.
Identifiers: ClinVar variation 4719578 (VCV004719578.1).

ClinVar aggregate classification (germline): Uncertain significance (1 of 4 stars; one submission).

Submission:

Labcorp Genetics (formerly Invitae), Labcorp
Classification: Uncertain significance. Last evaluated: 2025-05-14. Review status: criteria provided, single submitter. Criteria: Invitae Variant Classification Sherloc (09022015). Collection method: clinical testing. Allele origin: germline.
Comment: This sequence change replaces valine, which is neutral and non-polar, with alanine, which is neutral and non-polar, at codon 1739 of the RP1 protein (p.Val1739Ala). This variant is not present in population databases (gnomAD no frequency). This variant has not been reported in the literature in individuals affected with RP1-related conditions. An algorithm developed to predict the effect of missense changes on protein structure and function (PolyPhen-2) suggests that this variant is likely to be tolerated. In summary, the available evidence is currently insufficient to determine the role of this variant in disease. Therefore, it has been classified as a Variant of Uncertain Significance.